The following is an entry in ClinVar:

ClinVar aggregate classification (germline): Pathogenic/Likely pathogenic. Review status: criteria provided, multiple submitters, no conflicts (2 of 4 stars). 3 submissions from 3 submitters: Pathogenic (1); Likely pathogenic (2). Last evaluated 2026-02-19.

Conditions:
Cystic fibrosis (CF). Also called: MUCOVISCIDOSIS. Identifiers: Orphanet 586, MedGen C0010674, MONDO:0009061, OMIM 219700. Disease mechanism: loss of function.
Bronchiectasis with or without elevated sweat chloride 1 (BESC1). Also called: Cystic Fibrosis-Like Syndrome. Identifiers: Orphanet 60033, MedGen C2749757, MONDO:0008887, OMIM 211400.
Hereditary pancreatitis (PCTT). Also called: PRSS1-Related Hereditary Pancreatitis; Hereditary chronic pancreatitis. Identifiers: Orphanet 676, MedGen C0238339, MONDO:0008185, OMIM 167800.
Congenital bilateral aplasia of vas deferens from CFTR mutation (CBAVD). Identifiers: Orphanet 48, MedGen C0403814, MONDO:0010178, OMIM 277180. Disease mechanism: loss of function.
CFTR-related disorder (CFTR-RD). Also called: CFTR-related disorders; CFTR-related condition. Identifiers: MedGen C5924204, MONDO:7770004.

Submissions (3):

Women's Health and Genetics/Laboratory Corporation of America, LabCorp
Classification: Pathogenic for Cystic fibrosis. Last evaluated: 2026-02-19. Review status: criteria provided, single submitter. Criteria: LabCorp Variant Classification Summary - May 2015. Collection method: clinical testing. Allele origin: germline.
Comment: Variant summary: CFTR c.4408G>T (p.Glu1470X) results in a premature termination codon, predicted to cause a truncation of the encoded protein or absence of the protein due to nonsense mediated decay, which are commonly known mechanisms for disease. The variant was absent in 251012 control chromosomes. c.4408G>T has been reported in the literature in the compound heterozygous state together with a pathogenic variant in an individual who was part of a newborn screening program and it was considered a positive genetic result for Cystic Fibrosis, although no clinical features were provided to confirm the diagnosis (Shum_2023). To our knowledge, no experimental evidence demonstrating an impact on protein function has been reported. The following publication has been ascertained in the context of this evaluation (PMID: 37443404). ClinVar contains an entry for this variant (Variation ID: 2503929). Based on the evidence outlined above, the variant was classified as pathogenic.

Natera, Inc.
Classification: Likely pathogenic for CFTR-related disorders. Last evaluated: 2025-09-15. Review status: criteria provided, single submitter. Criteria: Natera Variant Classification Schema (03/2026). Collection method: clinical testing. Allele origin: germline.
Comment: The c.4408G>T variant in CFTR is a nonsense variant predicted to introduce a stop codon at amino acid 1470. This variant is expected to result in nonsense mediated decay, truncation, or a dysfunctional protein product. This variant is rare in the general population with a frequency below the threshold expected for the associated phenotype(s). Given the available evidence, this variant is classified as Likely Pathogenic.

Fulgent Genetics
Classification: Likely pathogenic for Hereditary pancreatitis; Bronchiectasis with or without elevated sweat chloride 1; Cystic fibrosis; Congenital bilateral aplasia of vas deferens from CFTR mutation. Last evaluated: 2024-06-07. Review status: criteria provided, single submitter. Criteria: ACMG Guidelines, 2015. Collection method: clinical testing. Allele origin: germline.

Literature cited by the submitters: PubMed 37443404 (cited by Women's Health and Genetics/Laboratory Corporation of America, LabCorp).

NM_000492.4(CFTR):c.4408G>T (p.Glu1470Ter)

Genes: CFTR (CF transmembrane conductance regulator; plus strand), LOC111674477 (CFTR intron 23 enhancer; plus strand). Cytogenetic location: 7q31.2.
Variant type: single nucleotide variant.
Coding change: c.4408G>T on transcript NM_000492.4 (MANE Select); coding-DNA position 4408, G replaced by T.
Protein change: p.Glu1470Ter; replaces glutamic acid 1470 with a stop codon.
Molecular consequence: nonsense.
Genome position (GRCh38, 1-based): chr7:117,667,073, G>T. VCF-style: chr7-117667073-G-T. GRCh37 (hg19) VCF-style: chr7-117307127-G-T.
Other names: short protein forms E1470*.
Identifiers: ClinVar variation 2503929 (VCV002503929.5), dbSNP rs2485185956, ClinGen allele CA368985273.